The following is an entry in ClinVar:

ClinVar aggregate classification (germline): Pathogenic/Likely pathogenic. Review status: criteria provided, multiple submitters, no conflicts (2 of 4 stars). 5 submissions from 5 submitters: Pathogenic (4); Likely pathogenic (1). Last evaluated 2025-12-10.

Conditions:
Retinitis pigmentosa 25 (RP25). Identifiers: Orphanet 791, MedGen C1864446, MONDO:0011272, OMIM 602772.
Abnormality of the eye. Identifiers: MedGen C4316870, HP:0000478.
EYS-related disorder. Also called: EYS-related condition.

Allele frequency attached by ClinVar (database versions not stated): TOPMed below 0.00001.
gnomAD v4.1: 1 of 1,528,800 alleles (0.000065%); highest among the groups gnomAD compares: Non-Finnish European, 0.000088%; no homozygotes.

Submissions (5):

PreventionGenetics, part of Exact Sciences
Classification: Pathogenic for EYS-related condition. Last evaluated: 2025-12-10. Review status: criteria provided, single submitter. Criteria: ACMG Guidelines, 2015. Collection method: clinical testing. Allele origin: germline.
Comment: The EYS c.2023+1G>A variant is predicted to disrupt the GT donor site and interfere with normal splicing. This variant has been reported in the homozygous state in an individual with retinitis pigmentosa (Supplementary Table 2, Abolhassani et al. 2024. PubMed ID: 38374194). This variant is absent in a large population database (gnomAD), indicating this variant is rare. Variants that disrupt the consensus splice donor site in EYS are an established mechanism of disease. This variant is interpreted as pathogenic.

Baylor Genetics
Classification: Likely pathogenic for Retinitis pigmentosa 25. Last evaluated: 2023-12-13. Review status: criteria provided, single submitter. Criteria: ACMG Guidelines, 2015. Collection method: clinical testing. Allele origin: unknown.

GeneDx
Classification: Pathogenic. Last evaluated: 2023-09-13. Review status: criteria provided, single submitter. Criteria: GeneDx Variant Classification Process June 2021. Collection method: clinical testing. Allele origin: germline. Affected: yes.
Comment: Canonical splice site variant predicted to result in a null allele in a gene for which loss of function is a known mechanism of disease; Not observed at significant frequency in large population cohorts (gnomAD); Has not been previously published as pathogenic or benign to our knowledge; This variant is associated with the following publications: (PMID: 33576794)

Labcorp Genetics (formerly Invitae), Labcorp
Classification: Pathogenic. Last evaluated: 2022-12-10. Review status: criteria provided, single submitter. Criteria: Invitae Variant Classification Sherloc (09022015). Collection method: clinical testing. Allele origin: germline.
Comment: For these reasons, this variant has been classified as Pathogenic. Algorithms developed to predict the effect of sequence changes on RNA splicing suggest that this variant may disrupt the consensus splice site. ClinVar contains an entry for this variant (Variation ID: 1180634). Disruption of this splice site has been observed in individuals with retinitis pigmentosa (PMID: 29785639, 33576794). This variant is not present in population databases (gnomAD no frequency). This sequence change affects a donor splice site in intron 12 of the EYS gene. It is expected to disrupt RNA splicing. Variants that disrupt the donor or acceptor splice site typically lead to a loss of protein function (PMID: 16199547), and loss-of-function variants in EYS are known to be pathogenic (PMID: 18836446, 20333770).

Kariminejad - Najmabadi Pathology & Genetics Center
Classification: Pathogenic for Abnormality of the eye. Last evaluated: 2021-07-10. Review status: criteria provided, single submitter. Criteria: ACMG Guidelines, 2015. Collection method: clinical testing. Allele origin: germline. Affected: yes.

Literature cited by the submitters: PubMed 29785639 (cited by Labcorp Genetics (formerly Invitae), Labcorp); PubMed 33576794 (cited by Labcorp Genetics (formerly Invitae), Labcorp); PubMed 16199547 (cited by Labcorp Genetics (formerly Invitae), Labcorp); PubMed 18836446 (cited by Labcorp Genetics (formerly Invitae), Labcorp); PubMed 20333770 (cited by Labcorp Genetics (formerly Invitae), Labcorp).

NM_001142800.2(EYS):c.2023+1G>A

Gene: EYS (EGF-like photoreceptor maintenance factor; minus strand). Cytogenetic location: 6q12.
Variant type: single nucleotide variant.
Coding change: c.2023+1G>A on transcript NM_001142800.2 (MANE Select); the canonical splice donor site of the intron after coding-DNA position 2023, G replaced by A.
Molecular consequence: splice donor variant.
Genome position (GRCh38, 1-based): chr6:65,295,862, C>T on the plus strand (G>A on the coding strand, the complement: EYS is on the minus strand). VCF-style: chr6-65295862-C-T. GRCh37 (hg19) VCF-style: chr6-66005755-C-T.
Other names: c.2023+1G>A (NM_001292009.2).
Identifiers: ClinVar variation 1180634 (VCV001180634.10), dbSNP rs980430860, ClinGen allele CA139803839.
Genomic context (GRCh38, chr6:65,295,862, plus strand): 5'-TAAATATATTAACAACATTATTTACTAGAAAATTTAATTTATCAGGAAAAAAAAAACTTG[C>T]CTTTAAATCCTGGGACACACTTGCGGAAGAAATATCCCCTTAAATGTGTACTAGTTGTTC-3'